The following is an entry in ClinVar:

NM_001270974.2(HYDIN):c.10619C>T (p.Ala3540Val)

Gene: HYDIN (HYDIN axonemal central pair apparatus protein; minus strand). Cytogenetic location: 16q22.2.
Variant type: single nucleotide variant.
Coding change: c.10619C>T on transcript NM_001270974.2 (MANE Select); coding-DNA position 10619, C replaced by T.
Protein change: p.Ala3540Val; replaces alanine 3540 with valine.
Molecular consequence: missense variant.
Genome position (GRCh38, 1-based): chr16:70,874,858, G>A on the plus strand (C>T on the coding strand, the complement: HYDIN is on the minus strand). VCF-style: chr16-70874858-G-A. GRCh37 (hg19) VCF-style: chr16-70908761-G-A.
Other names: short protein forms A3540V.
Identifiers: ClinVar variation 2646717 (VCV002646717.24), dbSNP rs578209969, ClinGen allele CA8149224.
Genomic context (GRCh38, chr16:70,874,858, plus strand): 5'-GCACCCTCCCCACACTTACCTTTTACATGTGGTTTATTTTCCTCTGTGATGTAGATATAC[G>A]CGGTGGTGGGCCTCCCTTTCAGGGAGAAGACTCCTAGCTCATCCTGCAGGTCAACATGCA-3'
Protein context (NP_001257903.1, residues 3530-3550): VFSLKGRPTT[Ala3540Val]YIYITEENKP

ClinVar aggregate classification (germline): Likely benign (1 of 4 stars; one submission).

Allele frequency attached by ClinVar (database versions not stated): TOPMed 0.00002; gnomAD 0.00004; gnomAD exomes 0.00007; ExAC 0.00015; 1000 Genomes Project 30x 0.00016; 1000 Genomes Project 0.00020.
gnomAD v4.1: 112 of 1,613,170 alleles (0.0069%); highest among the groups gnomAD compares: South Asian, 0.073%; 2 homozygotes.

Submission:

CeGaT Center for Human Genetics Tuebingen
Classification: Likely benign. Last evaluated: 2023-05-01. Review status: criteria provided, single submitter. Criteria: CeGaT Center For Human Genetics Tuebingen Variant Classification Criteria Version 2. Collection method: clinical testing. Allele origin: germline. Affected: yes. Observed: 2 variant alleles.
Comment: HYDIN: BP4